The following is an entry in ClinVar:

ClinVar aggregate classification (germline): Pathogenic/Likely pathogenic. Review status: criteria provided, multiple submitters, no conflicts (2 of 4 stars). 3 submissions from 3 submitters: Pathogenic (2); Likely pathogenic (1). Last evaluated 2025-09-03.

Conditions:
Seizures, benign familial infantile, 3 (BFIS3). Also called: CONVULSIONS, BENIGN FAMILIAL INFANTILE, 3; Familial neonatal seizures. Identifiers: Orphanet 140927, Orphanet 306, MedGen C1843140, MONDO:0011904, OMIM 607745.
Developmental and epileptic encephalopathy, 11 (DEE11). Also called: Early infantile epileptic encephalopathy 11. Identifiers: Orphanet 1934, MedGen C3150987, MONDO:0013388, OMIM 613721.
Inborn genetic diseases. Identifiers: MedGen C0950123, MeSH D030342.

Submissions (3):

Labcorp Genetics (formerly Invitae), Labcorp
Classification: Pathogenic for Seizures, benign familial infantile, 3; Developmental and epileptic encephalopathy, 11. Last evaluated: 2025-09-03. Review status: criteria provided, single submitter. Criteria: Invitae Variant Classification Sherloc (09022015). Collection method: clinical testing. Allele origin: germline.
Comment: This sequence change creates a premature translational stop signal (p.Arg1626*) in the SCN2A gene. While this is not anticipated to result in nonsense mediated decay, it is expected to disrupt the last 380 amino acid(s) of the SCN2A protein. This variant is not present in population databases (gnomAD no frequency). This premature translational stop signal has been observed in individual(s) with clinical features of SCN2A-related conditions (internal data). In at least one individual the variant was observed to be de novo. ClinVar contains an entry for this variant (Variation ID: 410985). This variant disrupts the p.Arg1626 amino acid residue in SCN2A. Other variant(s) that disrupt this residue have been determined to be pathogenic (PMID: 25473036, 25937001). This suggests that this residue is clinically significant, and that variants that disrupt this residue are likely to be disease-causing. For these reasons, this variant has been classified as Pathogenic.

GeneDx
Classification: Pathogenic. Last evaluated: 2022-11-08. Review status: criteria provided, single submitter. Criteria: GeneDx Variant Classification Process June 2021. Collection method: clinical testing. Allele origin: germline. Affected: yes.
Comment: Nonsense variant in the C-terminus predicted to result in protein truncation, as the last 380 amino acids are lost, and other loss-of-function variants have been reported downstream in the Human Gene Mutation Database (HGMD); Not observed at significant frequency in large population cohorts (gnomAD); This variant is associated with the following publications: (PMID: 28191889, 33004838)

Ambry Genetics
Classification: Likely pathogenic for Inborn genetic diseases. Last evaluated: 2021-06-24. Review status: criteria provided, single submitter. Criteria: Ambry Variant Classification Scheme 2023. Collection method: clinical testing. Allele origin: germline.
Comment: The c.4876C>T (p.R1626*) alteration, located in exon 27 (coding exon 26) of the SCN2A gene, consists of a C to T substitution at nucleotide position 4876. This changes the amino acid from an arginine (R) to a stop codon at amino acid position 1626. This alteration occurs at the 3' terminus of the SCN2A gene, is not expected to trigger nonsense-mediated mRNA decay, and impacts the last 19% of the protein. However, premature stop codons are typically deleterious in nature and the impacted region is critical for protein function (Ambry internal data). Based on data from the Genome Aggregation Database (gnomAD), the SCN2A c.4876C>T alteration was not observed, with coverage at this position. This variant was reported to occur de novo in an autism cohort (Stessman, 2017). Based on the available evidence, this alteration is classified as likely pathogenic.

Literature cited by the submitters: PubMed 25473036 (cited by Labcorp Genetics (formerly Invitae), Labcorp); PubMed 25937001 (cited by Labcorp Genetics (formerly Invitae), Labcorp); PubMed 28191889 (cited by Ambry Genetics).

NM_001040142.2(SCN2A):c.4876C>T (p.Arg1626Ter)

Gene: SCN2A (sodium voltage-gated channel alpha subunit 2; plus strand). Cytogenetic location: 2q24.3.
Variant type: single nucleotide variant.
Coding change: c.4876C>T on transcript NM_001040142.2 (MANE Select); coding-DNA position 4876, C replaced by T.
Protein change: p.Arg1626Ter; replaces arginine 1626 with a stop codon.
Molecular consequence: nonsense.
Genome position (GRCh38, 1-based): chr2:165,388,682, C>T. VCF-style: chr2-165388682-C-T. GRCh37 (hg19) VCF-style: chr2-166245192-C-T.
Other names: c.4876C>T, p.Arg1626Ter (NM_001040143.2, NM_001371246.1, NM_001371247.1 and 1 more transcripts); short protein forms R1626*.
Identifiers: ClinVar variation 410985 (VCV000410985.16), dbSNP rs1060503102, ClinGen allele CA16610261.
Genomic context (GRCh38, chr2:165,388,682, plus strand): 5'-TCTACAGGAATGTTTCTGGCTGAACTGATAGAAAAGTATTTTGTGTCCCCTACCCTGTTC[C>T]GAGTGATCCGTCTTGCCAGGATTGGCCGAATCCTACGTCTGATCAAAGGAGCAAAGGGGA-3'